The following is an entry in ClinVar:

ClinVar aggregate classification (germline): Pathogenic (1 of 4 stars; one submission).

Conditions:
Neurofibromatosis, type 1 (NF1). Also called: Peripheral type neurofibromatosis; VON RECKLINGHAUSEN DISEASE; Neurofibromatosis, type I; NEUROFIBROMATOSIS, TYPE I, SOMATIC. Identifiers: Orphanet 636, MedGen C0027831, MONDO:0018975, OMIM 162200. Disease mechanism: loss of function.

Submission:

Labcorp Genetics (formerly Invitae), Labcorp
Classification: Pathogenic for Neurofibromatosis, type 1. Last evaluated: 2025-07-03. Review status: criteria provided, single submitter. Criteria: Invitae Variant Classification Sherloc (09022015). Collection method: clinical testing. Allele origin: germline.
Comment: This sequence change creates a premature translational stop signal (p.Leu1252*) in the NF1 gene. It is expected to result in an absent or disrupted protein product. Loss-of-function variants in NF1 are known to be pathogenic (PMID: 10712197, 23913538). This variant is not present in population databases (gnomAD no frequency). This variant has not been reported in the literature in individuals affected with NF1-related conditions. ClinVar contains an entry for this variant (Variation ID: 841346). For these reasons, this variant has been classified as Pathogenic.

Literature cited by the submitters: PubMed 10712197; PubMed 23913538.

NM_001042492.3(NF1):c.3755T>A (p.Leu1252Ter)

Gene: NF1 (neurofibromin 1; plus strand). Cytogenetic location: 17q11.2.
Variant type: single nucleotide variant.
Coding change: c.3755T>A on transcript NM_001042492.3 (MANE Select); coding-DNA position 3755, T replaced by A.
Protein change: p.Leu1252Ter; replaces leucine 1252 with a stop codon.
Molecular consequence: nonsense.
Genome position (GRCh38, 1-based): chr17:31,235,657, T>A. VCF-style: chr17-31235657-T-A. GRCh37 (hg19) VCF-style: chr17-29562675-T-A.
Other names: c.3755T>A, p.Leu1252Ter (NM_000267.4); short protein forms L1252*.
Identifiers: ClinVar variation 841346 (VCV000841346.6), dbSNP rs2067186801, ClinGen allele CA398992479.